The following is an entry in ClinVar:

NM_022132.5(MCCC2):c.622C>T (p.Gln208Ter)

Gene: MCCC2 (methylcrotonyl-CoA carboxylase subunit 2; plus strand). Cytogenetic location: 5q13.2.
Variant type: single nucleotide variant.
Coding change: c.622C>T on transcript NM_022132.5 (MANE Select); coding-DNA position 622, C replaced by T.
Protein change: p.Gln208Ter; replaces glutamine 208 with a stop codon.
Molecular consequence: nonsense.
Genome position (GRCh38, 1-based): chr5:71,604,466, C>T. VCF-style: chr5-71604466-C-T. GRCh37 (hg19) VCF-style: chr5-70900293-C-T.
Other names: c.622C>T, p.Gln208Ter (NM_001363147.1); short protein forms Q208*.
Identifiers: ClinVar variation 5015769 (VCV005015769.1).

ClinVar aggregate classification (germline): Pathogenic (1 of 4 stars; one submission).

Conditions:
3-methylcrotonyl-CoA carboxylase 2 deficiency. Also called: METHYLCROTONYLGLYCINURIA, TYPE II; 3 alpha methylcrotonyl-CoA carboxylase 2 deficiency; 3 alpha methylcrotonylglycinuria 2; MCC 2 deficiency; Methylcrotonylglycinuria type 2. Identifiers: Orphanet 6, MedGen C1859499, MONDO:0008862, OMIM 210210.

gnomAD v4.1: 1 of 1,609,580 alleles (0.000062%); highest among the groups gnomAD compares: Non-Finnish European, 0.000085%; no homozygotes.

Submission:

Myriad Genetics, Inc.
Classification: Pathogenic for 3-methylcrotonyl-CoA carboxylase 2 deficiency. Last evaluated: 2026-04-04. Review status: criteria provided, single submitter. Criteria: Myriad Autosomal Dominant, Autosomal Recessive and X-Linked Classification Criteria (2023). Collection method: clinical testing. Allele origin: unknown.
Comment: NM_022132.4(MCCC2):c.622C>T(Q208*) is expected to be pathogenic in the context of 3-methylcrotonyl-CoA carboxylase deficiency, MCCC2-related. This variant is predicted to lead to an abnormal or absent protein product due to the creation of a premature termination codon in MCCC2, a gene where loss-of-function variants are known to be pathogenic. Please note: this variant was assessed in the context of healthy population screening.